The following is an entry in ClinVar:

ClinVar aggregate classification (germline): Uncertain significance (1 of 4 stars; one submission).

gnomAD v4.1: 1 of 1,613,764 alleles (0.000062%); highest among the groups gnomAD compares: Non-Finnish European, 0.000085%; no homozygotes.

Submission:

GeneDx
Classification: Uncertain significance. Last evaluated: 2025-02-26. Review status: criteria provided, single submitter. Criteria: GeneDx Variant Classification Process June 2021. Collection method: clinical testing. Allele origin: germline. Affected: yes.
Comment: Not observed at significant frequency in large population cohorts (gnomAD); In silico analysis supports that this missense variant has a deleterious effect on protein structure/function; Has not been previously published as pathogenic or benign to our knowledge

NM_014847.4(UBAP2L):c.954T>A (p.Asn318Lys)

Gene: UBAP2L (ubiquitin associated protein 2 like; plus strand). Cytogenetic location: 1q21.3.
Variant type: single nucleotide variant.
Coding change: c.954T>A on transcript NM_014847.4 (MANE Select); coding-DNA position 954, T replaced by A.
Protein change: p.Asn318Lys; replaces asparagine 318 with lysine.
Molecular consequence: missense variant.
Genome position (GRCh38, 1-based): chr1:154,246,315, T>A. VCF-style: chr1-154246315-T-A. GRCh37 (hg19) VCF-style: chr1-154218791-T-A.
Other names: c.954T>A, p.Asn318Lys (NM_001127320.3, NM_001375614.1, NM_001375615.1 and 14 more transcripts); c.933T>A, p.Asn311Lys (NM_001287815.1); c.987T>A, p.Asn329Lys (NM_001287816.1, NM_001330730.1, NM_001375612.1 and 2 more transcripts); short protein forms N311K, N318K, N329K.
Identifiers: ClinVar variation 4077265 (VCV004077265.1).
Genomic context (GRCh38, chr1:154,246,315, plus strand): 5'-TTCATCTAATCTGGATCCGTCTCAGGCTCCTTCTCTGGCCCAGCCTCTGGTGTTCAGTAA[T>A]TCGAAGCAGACTGCCATATCACAGCCTGCTTCAGGGAACACATTTTCTCATCACAGTATG-3'
Protein context (NP_055662.3, residues 308-328): PSLAQPLVFS[Asn318Lys]SKQTAISQPA